The following is an entry in ClinVar:

ClinVar aggregate classification (germline): Benign/Likely benign. Review status: criteria provided, multiple submitters, no conflicts (2 of 4 stars). 3 submissions from 3 submitters: Benign (1); Likely benign (2). Last evaluated 2024-11-29.

Conditions:
Spastic ataxia 2. Also called: Ataxia, spastic, 2, autosomal recessive. Identifiers: Orphanet 397946, MedGen C1969796, MONDO:0012651, OMIM 611302.

Allele frequency attached by ClinVar (database versions not stated): ESP Exome Variant Server 0.00008; gnomAD 0.00011; TOPMed 0.00013.
gnomAD v4.1: 166 of 1,613,040 alleles (0.01%); highest among the groups gnomAD compares: Middle Eastern, 0.016%; no homozygotes.

Submissions (3):

Labcorp Genetics (formerly Invitae), Labcorp
Classification: Benign for Spastic ataxia 2. Last evaluated: 2024-11-29. Review status: criteria provided, single submitter. Criteria: Invitae Variant Classification Sherloc (09022015). Collection method: clinical testing. Allele origin: germline.

Blueprint Genetics
Classification: Likely benign. Last evaluated: 2024-09-20. Review status: criteria provided, single submitter. Criteria: ACMG Guidelines, 2015. Collection method: clinical testing. Allele origin: germline.

GeneDx
Classification: Likely benign. Last evaluated: 2016-03-03. Review status: criteria provided, single submitter. Criteria: GeneDx Variant Classification (06012015). Collection method: clinical testing. Allele origin: germline. Affected: yes.
Comment: This variant is considered likely benign or benign based on one or more of the following criteria: it is a conservative change, it occurs at a poorly conserved position in the protein, it is predicted to be benign by multiple in silico algorithms, and/or has population frequency not consistent with disease.

NM_006612.6(KIF1C):c.941-17A>T

Genes: KIF1C (kinesin family member 1C; plus strand), LOC126862472 (CDK7 strongly-dependent group 2 enhancer GRCh37_chr17:4906716-4907915; plus strand). Cytogenetic location: 17p13.2.
Variant type: single nucleotide variant.
Coding change: c.941-17A>T on transcript NM_006612.6 (MANE Select); 17 bases into the intron before coding-DNA position 941, A replaced by T.
Molecular consequence: intron variant.
Genome position (GRCh38, 1-based): chr17:5,004,550, A>T. VCF-style: chr17-5004550-A-T. GRCh37 (hg19) VCF-style: chr17-4907845-A-T.
Identifiers: ClinVar variation 383987 (VCV000383987.10), dbSNP rs202231042, ClinGen allele CA8318810.